The following is an entry in ClinVar:

NM_003923.3(FOXH1):c.182G>C (p.Arg61Pro)

Gene: FOXH1 (forkhead box H1; minus strand). Cytogenetic location: 8q24.3.
Variant type: single nucleotide variant.
Coding change: c.182G>C on transcript NM_003923.3 (MANE Select); coding-DNA position 182, G replaced by C.
Protein change: p.Arg61Pro; replaces arginine 61 with proline.
Molecular consequence: missense variant.
Genome position (GRCh38, 1-based): chr8:144,475,254, C>G on the plus strand (G>C on the coding strand, the complement: FOXH1 is on the minus strand). VCF-style: chr8-144475254-C-G. GRCh37 (hg19) VCF-style: chr8-145700637-C-G.
Other names: NC_000008.10:g.145700637C>G; short protein forms R61P.
Identifiers: ClinVar variation 2455045 (VCV002455045.4), dbSNP rs138436343, ClinGen allele CA4945636.
Genomic context (GRCh38, chr8:144,475,254, plus strand): 5'-ATGGAGTCTTTCCAGCCCTCGTAGTCTTCCCTGAAGAAGGGGAACACGGCCTGGACCTGA[C>G]GGATGATCTGAAACCGCCAGGCGGCCGGCCGGCGCCGTGAGCCCAGACGGGGAGGGGGTA-3'
Protein context (NP_003914.1, residues 51-71): SRRLKLAQII[Arg61Pro]QVQAVFPFFR

ClinVar aggregate classification (germline): Uncertain significance. Review status: criteria provided, multiple submitters, no conflicts (2 of 4 stars). 2 submissions from 2 submitters: Uncertain significance (2). Last evaluated 2026-02-01.

Conditions:
Inborn genetic diseases. Identifiers: MedGen C0950123, MeSH D030342.
Holoprosencephaly sequence (HPE). Also called: Holoprosencephaly. Identifiers: Orphanet 2162, MedGen C0079541, MONDO:0016296, HP:0001360.

Allele frequency attached by ClinVar (database versions not stated): TOPMed 0.00007; ExAC 0.00009; ESP Exome Variant Server 0.00031.

Submissions (3):

Labcorp Genetics (formerly Invitae), Labcorp
Classification: Uncertain significance for Holoprosencephaly sequence. Last evaluated: 2026-02-01. Review status: criteria provided, single submitter. Criteria: Invitae Variant Classification Sherloc (09022015). Collection method: clinical testing. Allele origin: germline.
Comment: This sequence change replaces arginine, which is basic and polar, with proline, which is neutral and non-polar, at codon 61 of the FOXH1 protein (p.Arg61Pro). This variant is present in population databases (rs138436343, gnomAD 0.01%). This variant has not been reported in the literature in individuals affected with FOXH1-related conditions. ClinVar contains an entry for this variant (Variation ID: 2455045). Invitae Evidence Modeling of protein sequence and biophysical properties (such as structural, functional, and spatial information, amino acid conservation, physicochemical variation, residue mobility, and thermodynamic stability) indicates that this missense variant is not expected to disrupt FOXH1 protein function with a negative predictive value of 80%. In summary, the available evidence is currently insufficient to determine the role of this variant in disease. Therefore, it has been classified as a Variant of Uncertain Significance.

Ambry Genetics
Classification: Uncertain significance for Inborn genetic diseases. Last evaluated: 2023-02-08. Review status: criteria provided, single submitter. Criteria: Ambry Variant Classification Scheme 2023. Collection method: clinical testing. Allele origin: germline.

Dr. Peter K. Rogan Lab, Western University
No classification provided (evidence only). Condition: Lung cancer. Review status: no classification provided. Collection method: in vitro. Allele origin: not applicable. Functional consequence: retained intron. Not counted in ClinVar's aggregate classification.